The following is an entry in ClinVar:

ClinVar aggregate classification (germline): Benign. Review status: criteria provided, multiple submitters, no conflicts (2 of 4 stars). 2 submissions from 2 submitters: Benign (2). Last evaluated 2018-06-19.

Allele frequency attached by ClinVar (database versions not stated): 1000 Genomes Project 0.09065; 1000 Genomes Project 30x 0.09307; gnomAD 0.10651 and 0.10925; gnomAD exomes 0.11026; TOPMed 0.11251.
gnomAD v4.1: 42,482 of 389,078 alleles (11%); highest among the groups gnomAD compares: South Asian, 13%; 2,546 homozygotes.

Submissions (2):

GeneDx
Classification: Benign. Last evaluated: 2018-06-19. Review status: criteria provided, single submitter. Criteria: GeneDx Variant Classification (06012015). Collection method: clinical testing. Allele origin: germline. Affected: yes.
Comment: This variant is considered likely benign or benign based on one or more of the following criteria: it is a conservative change, it occurs at a poorly conserved position in the protein, it is predicted to be benign by multiple in silico algorithms, and/or has population frequency not consistent with disease.

Breakthrough Genomics
Classification: Benign. Review status: criteria provided, single submitter. Criteria: ACMG Guidelines, 2015. Collection method: not provided. Allele origin: germline. Inheritance: Autosomal dominant inheritance. Affected: yes.

NM_001083962.2(TCF4):c.1650-323C>A

Gene: TCF4 (transcription factor 4; minus strand). Cytogenetic location: 18q21.2.
Variant type: single nucleotide variant.
Coding change: c.1650-323C>A on transcript NM_001083962.2 (MANE Select); 323 bases into the intron before coding-DNA position 1650, C replaced by A.
Molecular consequence: intron variant.
Genome position (GRCh38, 1-based): chr18:55,229,399, G>T on the plus strand (C>A on the coding strand, the complement: TCF4 is on the minus strand). VCF-style: chr18-55229399-G-T. GRCh37 (hg19) VCF-style: chr18-52896630-G-T.
Other names: c.1956-323C>A (NM_001243226.3); c.1563-323C>A (NM_001369584.1, NM_001369585.1, NM_001348220.1); c.1575-323C>A (NM_001369576.1, NM_001369577.1, NM_001369578.1 and 3 more transcripts); c.1566-323C>A (NM_001369582.1, NM_001369583.1, NM_001348219.2 and 1 more transcripts); c.1578-323C>A (NM_001243227.2, NM_001369575.1, NM_001348218.2 and 1 more transcripts); c.1581-323C>A (NM_001369586.1); c.1638-323C>A (NM_001369571.1, NM_001369572.1, NM_003199.3); c.1650-323C>A (NM_001369567.1, NM_001369568.1); and 14 more.
Identifiers: ClinVar variation 668653 (VCV000668653.2), dbSNP rs41339445, ClinGen allele CA14562067.